The following is an entry in ClinVar:

ClinVar aggregate classification (germline): Uncertain significance. Review status: criteria provided, multiple submitters, no conflicts (2 of 4 stars). 2 submissions from 2 submitters: Uncertain significance (2). Last evaluated 2025-12-11.

Conditions:
Inborn genetic diseases. Identifiers: MedGen C0950123, MeSH D030342.

gnomAD v4.1: 2 of 1,612,602 alleles (0.00012%); highest among the groups gnomAD compares: Admixed American, 0.0033%; no homozygotes.

Submissions (2):

Ambry Genetics
Classification: Uncertain significance for Inborn genetic diseases. Last evaluated: 2025-12-11. Review status: criteria provided, single submitter. Criteria: Ambry Variant Classification Scheme 2023. Collection method: clinical testing. Allele origin: germline.
Comment: The p.I812M variant (also known as c.2436T>G), located in coding exon 22 of the ANKRD26 gene, results from a T to G substitution at nucleotide position 2436. The isoleucine at codon 812 is replaced by methionine, an amino acid with highly similar properties. This amino acid position is conserved. In addition, this alteration is predicted to be tolerated by in silico analysis. Based on the available evidence, the clinical significance of this variant remains unclear.

Labcorp Genetics (formerly Invitae), Labcorp
Classification: Uncertain significance. Last evaluated: 2025-09-11. Review status: criteria provided, single submitter. Criteria: Invitae Variant Classification Sherloc (09022015). Collection method: clinical testing. Allele origin: germline.
Comment: This sequence change replaces isoleucine, which is neutral and non-polar, with methionine, which is neutral and non-polar, at codon 812 of the ANKRD26 protein (p.Ile812Met). This variant is not present in population databases (gnomAD no frequency). This variant has not been reported in the literature in individuals affected with ANKRD26-related conditions. ClinVar contains an entry for this variant (Variation ID: 3709183). An algorithm developed to predict the effect of missense changes on protein structure and function outputs the following: PolyPhen-2: "Benign". The methionine amino acid residue is found in multiple mammalian species, which suggests that this missense change does not adversely affect protein function. In summary, the available evidence is currently insufficient to determine the role of this variant in disease. Therefore, it has been classified as a Variant of Uncertain Significance.

NM_014915.3(ANKRD26):c.2436T>G (p.Ile812Met)

Gene: ANKRD26 (ankyrin repeat domain 26; minus strand). Cytogenetic location: 10p12.1.
Variant type: single nucleotide variant.
Coding change: c.2436T>G on transcript NM_014915.3 (MANE Select); coding-DNA position 2436, T replaced by G.
Protein change: p.Ile812Met; replaces isoleucine 812 with methionine.
Molecular consequence: missense variant.
Genome position (GRCh38, 1-based): chr10:27,037,994, A>C on the plus strand (T>G on the coding strand, the complement: ANKRD26 is on the minus strand). VCF-style: chr10-27037994-A-C. GRCh37 (hg19) VCF-style: chr10-27326923-A-C.
Other names: c.2433T>G, p.Ile811Met (NM_001256053.2); short protein forms I812M, I811M.
Identifiers: ClinVar variation 3709183 (VCV003709183.3).